The following is an entry in ClinVar:

ClinVar aggregate classification (germline): Uncertain significance (1 of 4 stars; one submission).

Allele frequency attached by ClinVar (database versions not stated): gnomAD exomes below 0.00001.
gnomAD v4.1: 1 of 1,614,240 alleles (0.000062%); highest among the groups gnomAD compares: Non-Finnish European, 0.000085%; no homozygotes.

Submission:

Labcorp Genetics (formerly Invitae), Labcorp
Classification: Uncertain significance. Last evaluated: 2023-08-31. Review status: criteria provided, single submitter. Criteria: Invitae Variant Classification Sherloc (09022015). Collection method: clinical testing. Allele origin: germline.
Comment: In summary, the available evidence is currently insufficient to determine the role of this variant in disease. Therefore, it has been classified as a Variant of Uncertain Significance. An algorithm developed to predict the effect of missense changes on protein structure and function (PolyPhen-2) suggests that this variant is likely to be disruptive. ClinVar contains an entry for this variant (Variation ID: 1369031). This variant has not been reported in the literature in individuals affected with LOXL3-related conditions. This variant is not present in population databases (gnomAD no frequency). This sequence change replaces alanine, which is neutral and non-polar, with aspartic acid, which is acidic and polar, at codon 565 of the LOXL3 protein (p.Ala565Asp).

NM_032603.5(LOXL3):c.1694C>A (p.Ala565Asp)

Gene: LOXL3 (lysyl oxidase like 3; minus strand). Cytogenetic location: 2p13.1.
Variant type: single nucleotide variant.
Coding change: c.1694C>A on transcript NM_032603.5 (MANE Select); coding-DNA position 1694, C replaced by A.
Protein change: p.Ala565Asp; replaces alanine 565 with aspartic acid.
Molecular consequence: missense variant.
Genome position (GRCh38, 1-based): chr2:74,534,660, G>T on the plus strand (C>A on the coding strand, the complement: LOXL3 is on the minus strand). VCF-style: chr2-74534660-G-T. GRCh37 (hg19) VCF-style: chr2-74761787-G-T.
Other names: c.1259C>A, p.Ala420Asp (NM_001289164.3); c.611C>A, p.Ala204Asp (NM_001289165.2); short protein forms A204D, A420D, A565D.
Identifiers: ClinVar variation 1369031 (VCV001369031.6), dbSNP rs2104390668, ClinGen allele CA347386106.